The following is an entry in ClinVar:

NM_001457.4(FLNB):c.2437C>T (p.Pro813Ser)

Gene: FLNB (filamin B; plus strand). Cytogenetic location: 3p14.3.
Variant type: single nucleotide variant.
Coding change: c.2437C>T on transcript NM_001457.4 (MANE Select); coding-DNA position 2437, C replaced by T.
Protein change: p.Pro813Ser; replaces proline 813 with serine.
Molecular consequence: missense variant.
Genome position (GRCh38, 1-based): chr3:58,110,123, C>T. VCF-style: chr3-58110123-C-T. GRCh37 (hg19) VCF-style: chr3-58095850-C-T.
Other names: c.2437C>T, p.Pro813Ser (NM_001164317.2, NM_001164318.2, NM_001164319.2); short protein forms P813S.
Identifiers: ClinVar variation 1303763 (VCV001303763.2), dbSNP rs1324274482, ClinGen allele CA353344858.

ClinVar aggregate classification (germline): Uncertain significance (1 of 4 stars; one submission).

Submission:

GeneDx
Classification: Uncertain significance. Last evaluated: 2020-03-24. Review status: criteria provided, single submitter. Criteria: GeneDx Variant Classification Process June 2021. Collection method: clinical testing. Allele origin: germline. Affected: yes.
Comment: Not observed in large population cohorts (Lek et al., 2016); In silico analysis supports that this missense variant has a deleterious effect on protein structure/function; Has not been previously published as pathogenic or benign to our knowledge